The following is an entry in ClinVar:

NM_001042492.3(NF1):c.4007A>T (p.Gln1336Leu)

Gene: NF1 (neurofibromin 1; plus strand). Cytogenetic location: 17q11.2.
Variant type: single nucleotide variant.
Coding change: c.4007A>T on transcript NM_001042492.3 (MANE Select); coding-DNA position 4007, A replaced by T.
Protein change: p.Gln1336Leu; replaces glutamine 1336 with leucine.
Molecular consequence: missense variant.
Genome position (GRCh38, 1-based): chr17:31,249,016, A>T. VCF-style: chr17-31249016-A-T. GRCh37 (hg19) VCF-style: chr17-29576034-A-T.
Other names: c.4007A>T, p.Gln1336Leu (NM_000267.4); short protein forms Q1336L.
Identifiers: ClinVar variation 3360869 (VCV003360869.1).

ClinVar aggregate classification (germline): Uncertain significance (1 of 4 stars; one submission).

Submission:

GeneDx
Classification: Uncertain significance. Last evaluated: 2023-07-06. Review status: criteria provided, single submitter. Criteria: GeneDx Variant Classification Process June 2021. Collection method: clinical testing. Allele origin: germline. Affected: yes.
Comment: Not observed at significant frequency in large population cohorts (gnomAD); In silico analysis supports that this missense variant has a deleterious effect on protein structure/function; Has not been previously published as pathogenic or benign to our knowledge; This variant is associated with the following publications: (PMID: 25486365, 22807134)